The following is an entry in ClinVar:

ClinVar aggregate classification (germline): Uncertain significance (1 of 4 stars; one submission).

Submission:

CeGaT Center for Human Genetics Tuebingen
Classification: Uncertain significance. Last evaluated: 2025-10-01. Review status: criteria provided, single submitter. Criteria: CeGaT Center For Human Genetics Tuebingen Variant Classification Criteria Version 2. Collection method: clinical testing. Allele origin: germline. Affected: yes. Observed: 2 variant alleles.
Comment: FLNA: PM2, PP2, PP3

NM_001110556.2(FLNA):c.351G>C (p.Glu117Asp)

Gene: FLNA (filamin A; minus strand). Cytogenetic location: Xq28.
Variant type: single nucleotide variant.
Coding change: c.351G>C on transcript NM_001110556.2 (MANE Select); coding-DNA position 351, G replaced by C.
Protein change: p.Glu117Asp; replaces glutamic acid 117 with aspartic acid.
Molecular consequence: missense variant.
Genome position (GRCh38, 1-based): chrX:154,370,895, C>G on the plus strand (G>C on the coding strand, the complement: FLNA is on the minus strand). VCF-style: chrX-154370895-C-G. GRCh37 (hg19) VCF-style: chrX-153599263-C-G.
Other names: c.351G>C, p.Glu117Asp (NM_001456.4); short protein forms E117D.
Identifiers: ClinVar variation 4534862 (VCV004534862.6).